The following is an entry in ClinVar:

ClinVar aggregate classification (germline): Uncertain significance. Review status: criteria provided, multiple submitters, no conflicts (2 of 4 stars). 3 submissions from 3 submitters: Uncertain significance (3). Last evaluated 2023-05-24.

Conditions:
Inborn genetic diseases. Identifiers: MedGen C0950123, MeSH D030342.
Focal segmental glomerulosclerosis 5 (FSGS5). Identifiers: Orphanet 656, MedGen C2750475, MONDO:0013191, OMIM 613237.
Charcot-Marie-Tooth disease dominant intermediate E. Also called: CHARCOT-MARIE-TOOTH NEUROPATHY WITH FOCAL SEGMENTAL GLOMERULONEPHRITIS. Identifiers: Orphanet 93114, MedGen C4302667, MONDO:0013758, OMIM 614455.

Allele frequency attached by ClinVar (database versions not stated): TOPMed 0.00001; 1000 Genomes Project 30x 0.00016; 1000 Genomes Project 0.00020.
gnomAD v4.1: 20 of 1,612,712 alleles (0.0012%); highest among the groups gnomAD compares: Admixed American, 0.0033%; no homozygotes.

Submissions (3):

Ambry Genetics
Classification: Uncertain significance for Inborn genetic diseases. Last evaluated: 2023-05-24. Review status: criteria provided, single submitter. Criteria: Ambry Variant Classification Scheme 2023. Collection method: clinical testing. Allele origin: germline.

Labcorp Genetics (formerly Invitae), Labcorp
Classification: Uncertain significance for Charcot-Marie-Tooth disease dominant intermediate E; Focal segmental glomerulosclerosis 5. Last evaluated: 2021-08-04. Review status: criteria provided, single submitter. Criteria: Invitae Variant Classification Sherloc (09022015). Collection method: clinical testing. Allele origin: germline.
Comment: Algorithms developed to predict the effect of missense changes on protein structure and function output the following: SIFT: "Tolerated"; PolyPhen-2: "Not Available"; Align-GVGD: "Class C0". The methionine amino acid residue is found in multiple mammalian species, suggesting that this missense change does not adversely affect protein function. These predictions have not been confirmed by published functional studies and their clinical significance is uncertain. In summary, the available evidence is currently insufficient to determine the role of this variant in disease. Therefore, it has been classified as a Variant of Uncertain Significance. This variant has not been reported in the literature in individuals with INF2-related conditions. This variant is present in population databases (rs201336550, ExAC 0.003%). This sequence change replaces threonine with methionine at codon 909 of the INF2 protein (p.Thr909Met). The threonine residue is weakly conserved and there is a moderate physicochemical difference between threonine and methionine.

GeneDx
Classification: Uncertain significance. Last evaluated: 2019-10-21. Review status: criteria provided, single submitter. Criteria: GeneDx Variant Classification Process June 2021. Collection method: clinical testing. Allele origin: germline. Affected: yes.
Comment: In silico analysis, which includes protein predictors and evolutionary conservation, supports that this variant does not alter protein structure/function; Has not been previously published as pathogenic or benign to our knowledge

NM_022489.4(INF2):c.2726C>T (p.Thr909Met)

Gene: INF2 (inverted formin 2; plus strand). Cytogenetic location: 14q32.33.
Variant type: single nucleotide variant.
Coding change: c.2726C>T on transcript NM_022489.4 (MANE Select); coding-DNA position 2726, C replaced by T.
Protein change: p.Thr909Met; replaces threonine 909 with methionine.
Molecular consequence: missense variant.
Genome position (GRCh38, 1-based): chr14:104,712,943, C>T. VCF-style: chr14-104712943-C-T. GRCh37 (hg19) VCF-style: chr14-105179280-C-T.
Other names: c.2726C>T, p.Thr909Met (NM_001031714.4); short protein forms T909M.
Identifiers: ClinVar variation 658196 (VCV000658196.12), dbSNP rs201336550, ClinGen allele CA7373046.